The following is an entry in ClinVar:

NM_003334.4(UBA1):c.1400G>A (p.Gly467Asp)

Gene: UBA1 (ubiquitin like modifier activating enzyme 1; plus strand). Cytogenetic location: Xp11.3.
Variant type: single nucleotide variant.
Coding change: c.1400G>A on transcript NM_003334.4 (MANE Select); coding-DNA position 1400, G replaced by A.
Protein change: p.Gly467Asp; replaces glycine 467 with aspartic acid.
Molecular consequence: missense variant.
Genome position (GRCh38, 1-based): chrX:47,203,195, G>A. VCF-style: chrX-47203195-G-A. GRCh37 (hg19) VCF-style: chrX-47062594-G-A.
Other names: c.1400G>A, p.Gly467Asp (NM_153280.3); short protein forms G467D.
Identifiers: ClinVar variation 757880 (VCV000757880.16), dbSNP rs201504752, ClinGen allele CA10395904.

ClinVar aggregate classification (germline): Likely benign. Review status: criteria provided, multiple submitters, no conflicts (2 of 4 stars). 3 submissions from 3 submitters: Likely benign (3). Last evaluated 2024-10-07.

Conditions:
Infantile-onset X-linked spinal muscular atrophy. Also called: Spinal muscular atrophy, X-linked 2; SPINAL MUSCULAR ATROPHY, X-LINKED LETHAL INFANTILE; AMC, DISTAL, X-LINKED; ARTHROGRYPOSIS, X-LINKED, TYPE I; Spinal Muscular Atrophy, X-Linked Infantile. Identifiers: Orphanet 1145, MedGen C1844934, MONDO:0010532, OMIM 301830.
Inborn genetic diseases. Identifiers: MedGen C0950123, MeSH D030342.

Allele frequency attached by ClinVar (database versions not stated): TOPMed 0.00003; gnomAD 0.00004; gnomAD exomes 0.00006 and 0.00007; ExAC 0.00007.
gnomAD v4.1: 34 of 1,210,579 alleles (0.0028%); highest among the groups gnomAD compares: Middle Eastern, 0.023%; no homozygotes.

Submissions (3):

Labcorp Genetics (formerly Invitae), Labcorp
Classification: Likely benign for Infantile-onset X-linked spinal muscular atrophy. Last evaluated: 2024-10-07. Review status: criteria provided, single submitter. Criteria: Invitae Variant Classification Sherloc (09022015). Collection method: clinical testing. Allele origin: germline.

Ambry Genetics
Classification: Likely benign for Inborn genetic diseases. Last evaluated: 2020-08-03. Review status: criteria provided, single submitter. Criteria: Ambry Variant Classification Scheme 2023. Collection method: clinical testing. Allele origin: germline.

Illumina Laboratory Services, Illumina
Classification: Likely benign for Infantile-onset X-linked spinal muscular atrophy. Last evaluated: 2018-01-13. Review status: criteria provided, single submitter. Criteria: ICSL Variant Classification Criteria 13 December 2019. Collection method: clinical testing. Allele origin: germline.
Comment: This variant was observed in the ICSL laboratory as part of a predisposition screen in an ostensibly healthy population. It had not been previously curated by ICSL or reported in the Human Gene Mutation Database (HGMD: prior to June 1st, 2018), and was therefore a candidate for classification through an automated scoring system. Utilizing variant allele frequency, disease prevalence and penetrance estimates, and inheritance mode, an automated score was calculated to assess if this variant is too frequent to cause the disease. Based on the score and internal cut-off values, a variant classified as likely benign is not then subjected to further curation. The score for this variant resulted in a classification of likely benign for this disease.